The following is an entry in ClinVar:

NM_017633.3(TENT5A):c.136G>A (p.Gly46Ser)

Gene: TENT5A (terminal nucleotidyltransferase 5A; minus strand). Cytogenetic location: 6q14.1.
Variant type: single nucleotide variant.
Coding change: c.136G>A on transcript NM_017633.3 (MANE Select); coding-DNA position 136, G replaced by A.
Protein change: p.Gly46Ser; replaces glycine 46 with serine.
Molecular consequence: missense variant.
Genome position (GRCh38, 1-based): chr6:81,752,006, C>T on the plus strand (G>A on the coding strand, the complement: TENT5A is on the minus strand). VCF-style: chr6-81752006-C-T. GRCh37 (hg19) VCF-style: chr6-82461723-C-T.
Other names: short protein forms G46S.
Identifiers: ClinVar variation 3234246 (VCV003234246.20), dbSNP rs140052179, ClinGen allele CA3903067.

ClinVar aggregate classification (germline): Uncertain significance (1 of 4 stars; one submission).

Allele frequency attached by ClinVar (database versions not stated): ESP Exome Variant Server 0.00185.
gnomAD v4.1: 184 of 1,608,198 alleles (0.011%); highest among the groups gnomAD compares: African/African-American, 0.22%; no homozygotes.

Submission:

CeGaT Center for Human Genetics Tuebingen
Classification: Uncertain significance. Last evaluated: 2024-04-01. Review status: criteria provided, single submitter. Criteria: CeGaT Center For Human Genetics Tuebingen Variant Classification Criteria Version 2. Collection method: clinical testing. Allele origin: germline. Affected: yes. Observed: 1 variant allele.
Comment: TENT5A: PM2